The following is an entry in ClinVar:

NM_001113378.2(FANCI):c.1963G>A (p.Gly655Arg)

Gene: FANCI (FA complementation group I; plus strand). Cytogenetic location: 15q26.1.
Variant type: single nucleotide variant.
Coding change: c.1963G>A on transcript NM_001113378.2 (MANE Select); coding-DNA position 1963, G replaced by A.
Protein change: p.Gly655Arg; replaces glycine 655 with arginine.
Molecular consequence: missense variant.
Genome position (GRCh38, 1-based): chr15:89,291,685, G>A. VCF-style: chr15-89291685-G-A. GRCh37 (hg19) VCF-style: chr15-89834916-G-A.
Other names: c.1684G>A, p.Gly562Arg (NM_001376910.1); c.1963G>A, p.Gly655Arg (NM_001376911.1, NM_018193.3); short protein forms G655R, G562R.
Identifiers: ClinVar variation 414868 (VCV000414868.43), dbSNP rs138026584, ClinGen allele CA7723227.

ClinVar aggregate classification (germline): Conflicting classifications of pathogenicity. Review status: criteria provided, conflicting classifications (1 of 4 stars). 7 submissions from 7 submitters: Uncertain significance (3); Likely benign (3). 1 of the submissions does not count toward it. Last evaluated 2026-01-28.

Conditions:
FANCI-related disorder. Also called: FANCI-related condition.
Fanconi anemia (FA). Also called: Fanconi's anemia. Identifiers: Orphanet 84, MedGen C0015625, MeSH D005199, MONDO:0019391.
Fanconi anemia complementation group I (FANCI). Also called: FANCI-Related Fanconi Anemia. Identifiers: Orphanet 84, MedGen C1836861, MONDO:0012186, OMIM 609053.

Allele frequency attached by ClinVar (database versions not stated): gnomAD 0.00018 and 0.00019; gnomAD exomes 0.00021 and 0.00047; TOPMed 0.00028; ESP Exome Variant Server 0.00038; ExAC 0.00043.
gnomAD v4.1: 359 of 1,613,598 alleles (0.022%); highest among the groups gnomAD compares: Middle Eastern, 0.033%; 3 homozygotes.

Submissions (7):

Labcorp Genetics (formerly Invitae), Labcorp
Classification: Likely benign for Fanconi anemia. Last evaluated: 2026-01-28. Review status: criteria provided, single submitter. Criteria: Invitae Variant Classification Sherloc (09022015). Collection method: clinical testing. Allele origin: germline.

Blueprint Genetics
Classification: Uncertain significance. Last evaluated: 2024-10-14. Review status: criteria provided, single submitter. Criteria: ACMG Guidelines, 2015. Collection method: clinical testing. Allele origin: germline.

KCCC/NGS Laboratory, Kuwait Cancer Control Center
Classification: Likely benign for Fanconi anemia complementation group I. Last evaluated: 2023-07-07. Review status: criteria provided, single submitter. Criteria: ACMG Guidelines, 2015. Collection method: clinical testing. Allele origin: germline. Affected: yes.

CeGaT Center for Human Genetics Tuebingen
Classification: Uncertain significance. Last evaluated: 2022-04-01. Review status: criteria provided, single submitter. Criteria: CeGaT Center For Human Genetics Tuebingen Variant Classification Criteria Version 2. Collection method: clinical testing. Allele origin: germline. Affected: yes. Observed: 2 variant alleles.

Sema4
Classification: Likely benign for Fanconi anemia. Last evaluated: 2021-03-29. Review status: criteria provided, single submitter. Criteria: Sema4 Curation Guidelines. Collection method: curation. Allele origin: germline.

Illumina Laboratory Services, Illumina
Classification: Uncertain significance for Fanconi anemia complementation group I. Last evaluated: 2018-01-13. Review status: criteria provided, single submitter. Criteria: ICSL Variant Classification Criteria 13 December 2019. Collection method: clinical testing. Allele origin: germline.

PreventionGenetics, part of Exact Sciences
Classification: Likely benign for FANCI-related condition. Last evaluated: 2021-02-03. Review status: no assertion criteria provided. Collection method: clinical testing. Allele origin: germline. Not counted in ClinVar's aggregate classification.
Comment: This variant is classified as likely benign based on ACMG/AMP sequence variant interpretation guidelines (Richards et al. 2015 PMID: 25741868, with internal and published modifications).